The following continues an entry in ClinVar:

NM_005105.5(RBM8A):c.*6C>G

Gene: RBM8A. ClinVar aggregate classification (germline): Conflicting classifications of pathogenicity. Pathogenic (2); Likely pathogenic (13); Uncertain significance (1); Benign (1).

Submissions 10 to 17 of 17:

Blueprint Genetics
Classification: Likely pathogenic for RBM8A-related disorders. Last evaluated: 2024-11-26. Review status: criteria provided, single submitter. Criteria: ACMG Guidelines, 2015. Collection method: clinical testing. Allele origin: germline. Affected: yes. Observed: 5 variant alleles.

New York Genome Center
Classification: Pathogenic for Radial aplasia-thrombocytopenia syndrome. Last evaluated: 2024-04-12. Review status: criteria provided, single submitter. Criteria: NYGC Assertion Criteria 2020. Collection method: clinical testing. Allele origin: inherited. Affected: yes. Observed: 1 variant allele, 1 hemizygote.
Comment: The c.*6C>G variant in RBM8A has previously been reported in trans with a null allele in multiple individuals with TAR syndrome (PMID:32227665, 33559987,32552793), and it has been deposited in ClinVar [Clinvar ID: 95245]. The c.*6C>G variant is observed in 15133 alleles (~0.93 % minor allele frequency with 856 homozygotes) in population databases (gnomAD v4.0.0) suggesting it is a common variant in the populations represented in those databases; however, both clinical and functional evidence are in favor of pathogenicity thus the populational evidence is not used in this classification. The c.*6C>G variant is located in the 3’ Untranslated Region (UTR) of the gene and in vitro functional studies demonstrated reduced expression levels consistent with a hypomorphic allele (PMID:32227665). Based on available evidence this inherited hemizygous (due to a deletion involving the other allele) c.*6C>G variant identified in RBM8A is classified here as Pathogenic.

Baylor Genetics
Classification: Likely pathogenic for Radial aplasia-thrombocytopenia syndrome. Last evaluated: 2024-03-27. Review status: criteria provided, single submitter. Criteria: ACMG Guidelines, 2015. Collection method: clinical testing. Allele origin: unknown.

Mayo Clinic Laboratories, Mayo Clinic
Classification: Likely pathogenic. Last evaluated: 2023-12-26. Review status: criteria provided, single submitter. Criteria: ACMG Guidelines, 2015. Collection method: clinical testing. Allele origin: germline. Observed: 11 variant alleles.
Comment: BA1, PM3, PS3, PS4_supporting

Department of Pathology and Laboratory Medicine, Sinai Health System
Classification: Likely pathogenic for Radial aplasia-thrombocytopenia syndrome. Last evaluated: 2023-09-14. Review status: criteria provided, single submitter. Criteria: ACMG Guidelines, 2015. Collection method: research. Allele origin: germline.

Center for Genomics, Ann and Robert H. Lurie Children's Hospital of Chicago
Classification: Likely pathogenic for Radial aplasia-thrombocytopenia syndrome. Last evaluated: 2022-03-28. Review status: criteria provided, single submitter. Criteria: ACMG Guidelines, 2015. Collection method: clinical testing. Allele origin: germline.
Comment: RBM8A NM_005105.4 exon 6 (3'-UTR) c.*6C>G: This variant has been reported in the literature in the compound heterozygous state in at least 14 individuals with Thrombocytopenia with Absent Radii (TAR) syndrome, most often in trans with a recurrent 200 kb deletion (Selected publications: Boussion 2020 PMID:32227665; Gálvez 2020 PMID:33718801; Morgan 2021 PMID:33559987). This variant is present in 14.2% (5886/41376) of African/African American alleles, including 454 homozygotes, in the Genome Aggregation Database. This variant is present in ClinVar, with classifications ranging from Variant of Uncertain Significance to Likely Pathogenic (Variation ID:95245). Evolutionary conservation and computational predictive tools for this variant are limited or unavailable. Of note, this variant occurs in the 3'-UTR of this gene and does not change the coding sequence; however, literature suggests that this variant affects transcript regulation and functions as a hypomorphic allele (Albers 2012 PMID:22366785; Boussion 2020 PMID:32227665). In summary, although this variant occurs at a high minor allele frequency, there is significant evidence supporting a disease-causing impact of this variant when in trans with a null allele (Boussion 2020 PMID:32227665). Therefore, it is classified as Likely Pathogenic, but may be best regarded as a hypomorphic allele.

Illumina Laboratory Services, Illumina
Classification: Likely pathogenic for Radial aplasia-thrombocytopenia syndrome. Last evaluated: 2021-04-28. Review status: criteria provided, single submitter. Criteria: ICSLVariantClassificationCriteria RUGD 01 April 2020. Collection method: clinical testing. Allele origin: unknown.
Comment: The RBM8A c.6*C>G variant is a 3'UTR variant that has been reported in at least 12 individuals with TAR syndrome in trans with a pathogenic 1q21.1 or 1q21.1q21.2 deletion with at least five originating from different families (Boussion et al. 2020; Morgan et al. 2020; da Rocha et al. 2021; Galvez et al. 2021). The c.6*C>G variant, segregated with the disorder in multiple affected individuals in at least three families (Boussion et al. 2020). In vitro luciferase reporter assay shows reduced expression of the RBM8A c.6*C>G construct as compared to the wild-type protein (Boussion et al. 2020). The c.6*C>G variant is found at a frequency of 0.1483 in the African/African American subpopulation of the Genome Aggregation Database (version 2.1.1). Even though this frequency is high, it does not preclude this variant's potentially damaging effect, as hypomorphic variants along with a heterozygous loss of function are a typical mechanism of TAR syndrome (Boussion et al. 2020). Based on the collective evidence, the c.6*C>G variant is classified as a likely pathogenic hypomorphic variant for TAR syndrome.

Eurofins Ntd Llc (ga)
Classification: Uncertain significance. Last evaluated: 2017-04-17. Review status: criteria provided, single submitter. Criteria: EGL Classification Definitions 2015. Collection method: clinical testing. Allele origin: germline. Observed: 13 variant alleles, 2 heterozygotes, 6 homozygotes, 5 hemizygotes.

Literature cited by the submitters: PubMed 32227665 (cited by 5 submitters); PubMed 33559987 (cited by 4 submitters); PubMed 33718801 (cited by 3 submitters); PubMed 34341987 (cited by Ambry Genetics and Women's Health and Genetics/Laboratory Corporation of America, LabCorp); PubMed 37644014 (cited by Women's Health and Genetics/Laboratory Corporation of America, LabCorp); PubMed 20301781 (cited by Variantyx, Inc.); PubMed 32552793 (cited by New York Genome Center).